The following is an entry in ClinVar:

ClinVar aggregate classification (germline): Uncertain significance (1 of 4 stars; one submission).

Conditions:
Progressive myoclonic epilepsy. Also called: Myoclonic Epilepsies, Progressive; Familial progressive myoclonic epilepsy; Myoclonus epilepsy; Progressive myoclonus epilepsy. Identifiers: Orphanet 308, Orphanet 98261, MedGen C0751778, MONDO:0020074.

Allele frequency attached by ClinVar (database versions not stated): gnomAD exomes below 0.00001.
gnomAD v4.1: 1 of 1,614,206 alleles (0.000062%); highest among the groups gnomAD compares: African/African-American, 0.0013%; no homozygotes.

Submission:

Labcorp Genetics (formerly Invitae), Labcorp
Classification: Uncertain significance for Progressive myoclonic epilepsy. Last evaluated: 2022-07-27. Review status: criteria provided, single submitter. Criteria: Invitae Variant Classification Sherloc (09022015). Collection method: clinical testing. Allele origin: germline.
Comment: This sequence change replaces lysine, which is basic and polar, with arginine, which is basic and polar, at codon 39 of the CSTB protein (p.Lys39Arg). This variant is not present in population databases (gnomAD no frequency). This variant has not been reported in the literature in individuals affected with CSTB-related conditions. Algorithms developed to predict the effect of missense changes on protein structure and function (SIFT, PolyPhen-2, Align-GVGD) all suggest that this variant is likely to be tolerated. In summary, the available evidence is currently insufficient to determine the role of this variant in disease. Therefore, it has been classified as a Variant of Uncertain Significance.

NM_000100.4(CSTB):c.116A>G (p.Lys39Arg)

Gene: CSTB (cystatin B; minus strand). Cytogenetic location: 21q22.3.
Variant type: single nucleotide variant.
Coding change: c.116A>G on transcript NM_000100.4 (MANE Select); coding-DNA position 116, A replaced by G.
Protein change: p.Lys39Arg; replaces lysine 39 with arginine.
Molecular consequence: missense variant.
Genome position (GRCh38, 1-based): chr21:43,774,710, T>C on the plus strand (A>G on the coding strand, the complement: CSTB is on the minus strand). VCF-style: chr21-43774710-T-C. GRCh37 (hg19) VCF-style: chr21-45194591-T-C.
Other names: short protein forms K39R.
Identifiers: ClinVar variation 2149845 (VCV002149845.1), dbSNP rs2517171443, ClinGen allele CA410408343.